The following is an entry in ClinVar:

ClinVar aggregate classification (germline): Likely benign. Review status: criteria provided, single submitter (1 of 4 stars). 2 submissions from 2 submitters: Likely benign (1). 1 of the submissions does not count toward it.

Conditions:
ITGA2B-related disorder. Also called: ITGA2B-related disorders; ITGA2B-related condition.

Allele frequency attached by ClinVar (database versions not stated): TOPMed below 0.00001; gnomAD 0.00001; gnomAD exomes 0.00001.
gnomAD v4.1: 13 of 1,548,738 alleles (0.00084%); highest among the groups gnomAD compares: Middle Eastern, 0.084%; no homozygotes.

Submissions (2):

Breakthrough Genomics
Classification: Likely benign. Review status: criteria provided, single submitter. Criteria: ACMG Guidelines, 2015. Collection method: not provided. Allele origin: germline. Inheritance: Autosomal recessive inheritance. Affected: yes.

PreventionGenetics, part of Exact Sciences
Classification: Likely benign for ITGA2B-related condition. Last evaluated: 2021-03-22. Review status: no assertion criteria provided. Collection method: clinical testing. Allele origin: germline. Not counted in ClinVar's aggregate classification.
Comment: This variant is classified as likely benign based on ACMG/AMP sequence variant interpretation guidelines (Richards et al. 2015 PMID: 25741868, with internal and published modifications).

NM_000419.5(ITGA2B):c.2733C>T (p.Cys911=)

Gene: ITGA2B (integrin subunit alpha 2b; minus strand). Cytogenetic location: 17q21.31.
Variant type: single nucleotide variant.
Coding change: c.2733C>T on transcript NM_000419.5 (MANE Select); coding-DNA position 2733, C replaced by T.
Protein change: p.Cys911=; no amino-acid change (cysteine 911 retained).
Molecular consequence: synonymous variant.
Genome position (GRCh38, 1-based): chr17:44,375,106, G>A on the plus strand (C>T on the coding strand, the complement: ITGA2B is on the minus strand). VCF-style: chr17-44375106-G-A. GRCh37 (hg19) VCF-style: chr17-42452474-G-A.
Identifiers: ClinVar variation 3047462 (VCV003047462.3), dbSNP rs868106253, ClinGen allele CA290946565.